The following is an entry in ClinVar:

ClinVar aggregate classification (germline): Conflicting classifications of pathogenicity. Review status: criteria provided, conflicting classifications (1 of 4 stars). 2 submissions from 2 submitters: Uncertain significance (1); Likely benign (1). Last evaluated 2023-03-23.

Conditions:
Hereditary cancer-predisposing syndrome. Also called: Hereditary Cancer Syndrome; Tumor predisposition; Hereditary neoplastic syndrome; Neoplastic Syndromes, Hereditary. Identifiers: Orphanet 140162, MedGen C0027672, MeSH D009386, MONDO:0015356.
Hereditary breast ovarian cancer syndrome. Also called: Hereditary breast and/or ovarian cancer syndrome; Hereditary breast and ovarian cancer syndrome; Hereditary breast and ovarian cancer syndrome (HBOC); Breast and ovarian cancer; Hereditary breast and ovarian cancer; BRCA1- and BRCA2-Associated Hereditary Breast and Ovarian Cancer. Identifiers: Orphanet 145, MedGen C0677776, MeSH D061325, MONDO:0003582. Disease mechanism: loss of function.

Submissions (2):

University of Washington Department of Laboratory Medicine, University of Washington
Classification: Likely benign for Hereditary cancer-predisposing syndrome. Last evaluated: 2023-03-23. Review status: criteria provided, single submitter. Criteria: Dines et al. (Genet Med. 2020). Collection method: curation. Allele origin: germline.
Comment: Missense variant in a coldspot region where missense variants are very unlikely to be pathogenic (PMID:31911673).

BRCA1 coldspot (exon 11 using historical exon numbering). Reclassification based on statistical prior probability

Labcorp Genetics (formerly Invitae), Labcorp
Classification: Uncertain significance for Hereditary breast ovarian cancer syndrome. Last evaluated: 2020-02-15. Review status: criteria provided, single submitter. Criteria: Invitae Variant Classification Sherloc (09022015). Collection method: clinical testing. Allele origin: germline.
Comment: In summary, the available evidence is currently insufficient to determine the role of this variant in disease. Therefore, it has been classified as a Variant of Uncertain Significance. Algorithms developed to predict the effect of missense changes on protein structure and function output the following: SIFT: "Tolerated"; PolyPhen-2: "Benign"; Align-GVGD: "Class C0". The proline amino acid residue is found in multiple mammalian species, suggesting that this missense change does not adversely affect protein function. These predictions have not been confirmed by published functional studies and their clinical significance is uncertain. This variant has not been reported in the literature in individuals with BRCA1-related conditions. This variant is not present in population databases (ExAC no frequency). This sequence change replaces alanine with proline at codon 439 of the BRCA1 protein (p.Ala439Pro). The alanine residue is moderately conserved and there is a small physicochemical difference between alanine and proline.

NM_007294.4(BRCA1):c.1315G>C (p.Ala439Pro)

Gene: BRCA1 (BRCA1 DNA repair associated; minus strand). Cytogenetic location: 17q21.31.
Variant type: single nucleotide variant.
Coding change: c.1315G>C on transcript NM_007294.4 (MANE Select); coding-DNA position 1315, G replaced by C.
Protein change: p.Ala439Pro; replaces alanine 439 with proline.
Molecular consequence: missense variant. On other transcripts: intron variant (137).
Genome position (GRCh38, 1-based): chr17:43,094,216, C>G on the plus strand (G>C on the coding strand, the complement: BRCA1 is on the minus strand). VCF-style: chr17-43094216-C-G. GRCh37 (hg19) VCF-style: chr17-41246233-C-G.
Other names: c.1102G>C, p.Ala368Pro (NM_001407571.1, NM_001407853.1, NM_001407894.1 and 9 more transcripts); c.1315G>C, p.Ala439Pro (NM_001407581.1, NM_001407582.1, NM_001407583.1 and 30 more transcripts); c.1312G>C, p.Ala438Pro (NM_001407587.1, NM_001407590.1, NM_001407591.1 and 22 more transcripts); c.1306G>C, p.Ala436Pro (NM_001407646.1, NM_001407647.1); c.1192G>C, p.Ala398Pro (NM_001407648.1, NM_001407664.1, NM_001407665.1 and 19 more transcripts); c.1189G>C, p.Ala397Pro (NM_001407649.1, NM_001407670.1, NM_001407671.1 and 11 more transcripts); c.1237G>C, p.Ala413Pro (NM_001407653.1, NM_001407654.1, NM_001407655.1 and 4 more transcripts); c.1234G>C, p.Ala412Pro (NM_001407659.1, NM_001407660.1, NM_001407661.1 and 1 more transcripts); and 40 more; short protein forms A392P, A439P, A143P, A271P, A311P, A328P, A351P, A413P.
Identifiers: ClinVar variation 1057543 (VCV001057543.20), dbSNP rs1064794098, ClinGen allele CA10599421.